The following is an entry in ClinVar:

NM_176819.4(DIPK2B):c.383G>A (p.Arg128Lys)

Gene: DIPK2B (divergent protein kinase domain 2B; minus strand). Cytogenetic location: Xp11.3.
Variant type: single nucleotide variant.
Coding change: c.383G>A on transcript NM_176819.4 (MANE Select); coding-DNA position 383, G replaced by A.
Protein change: p.Arg128Lys; replaces arginine 128 with lysine.
Molecular consequence: missense variant.
Genome position (GRCh38, 1-based): chrX:45,191,866, C>T on the plus strand (G>A on the coding strand, the complement: DIPK2B is on the minus strand). VCF-style: chrX-45191866-C-T. GRCh37 (hg19) VCF-style: chrX-45051111-C-T.
Other names: c.383G>A, p.Arg128Lys (NM_024689.3); short protein forms R128K.
Identifiers: ClinVar variation 3059778 (VCV003059778.2), dbSNP rs1132201, ClinGen allele CA10393032.
Genomic context (GRCh38, chrX:45,191,866, plus strand): 5'-GTTTTCCGCAGGACACGCTCAATGCTGCAGGTCTTTGGGGCTGATGCAGAGGCACAGATT[C>T]TCCTGTCTGAGATCTCGTTTTGATATTTGCTGACCAGTCTAAAGATCTCCACAGGGCGCC-3'
Protein context (NP_789789.2, residues 118-138): SKYQNEISDR[Arg128Lys]ICASASAPKT

ClinVar aggregate classification (germline): Benign (0 of 4 stars; one submission).

Conditions:
DIPK2B-related disorder. Also called: DIPK2B-related condition.

Allele frequency attached by ClinVar (database versions not stated): ESP Exome Variant Server 0.28013; gnomAD 0.32682; TOPMed 0.33154; gnomAD exomes 0.35642; ExAC 0.41117; 1000 Genomes Project 30x 0.42144; 1000 Genomes Project 0.43947.

Submission:

PreventionGenetics, part of Exact Sciences
Classification: Benign for DIPK2B-related condition. Last evaluated: 2019-10-16. Review status: no assertion criteria provided. Collection method: clinical testing. Allele origin: germline.
Comment: This variant is classified as benign based on ACMG/AMP sequence variant interpretation guidelines (Richards et al. 2015 PMID: 25741868, with internal and published modifications).